The following is an entry in ClinVar:

ClinVar aggregate classification (germline): Pathogenic/Likely pathogenic. Review status: criteria provided, multiple submitters, no conflicts (2 of 4 stars). 2 submissions from 2 submitters: Pathogenic (1); Likely pathogenic (1). Last evaluated 2024-06-02.

Conditions:
Cholestanol storage disease (CTX). Also called: CEREBRAL CHOLESTERINOSIS; Cerebrotendinous Xanthomatosis; CTX: Cerebrotendinous xanthomatosis. Identifiers: Orphanet 909, MedGen C0238052, MONDO:0008948, OMIM 213700.

Submissions (2):

Labcorp Genetics (formerly Invitae), Labcorp
Classification: Pathogenic for Cholestanol storage disease. Last evaluated: 2024-06-02. Review status: criteria provided, single submitter. Criteria: Invitae Variant Classification Sherloc (09022015). Collection method: clinical testing. Allele origin: germline.
Comment: This sequence change creates a premature translational stop signal (p.Leu490Serfs*4) in the CYP27A1 gene. While this is not anticipated to result in nonsense mediated decay, it is expected to disrupt the last 42 amino acid(s) of the CYP27A1 protein. This variant is not present in population databases (gnomAD no frequency). This variant has not been reported in the literature in individuals affected with CYP27A1-related conditions. This variant disrupts a region of the CYP27A1 protein in which other variant(s) (p.Arg513Cys) have been determined to be pathogenic (PMID: 28623566, 31743419, 32714376; Invitae). This suggests that this is a clinically significant region of the protein, and that variants that disrupt it are likely to be disease-causing. For these reasons, this variant has been classified as Pathogenic.

Baylor Genetics
Classification: Likely pathogenic for Cholestanol storage disease. Last evaluated: 2022-02-09. Review status: criteria provided, single submitter. Criteria: ACMG Guidelines, 2015. Collection method: clinical testing. Allele origin: unknown.

Literature cited by the submitters: PubMed 28623566 (cited by Labcorp Genetics (formerly Invitae), Labcorp); PubMed 31743419 (cited by Labcorp Genetics (formerly Invitae), Labcorp); PubMed 32714376 (cited by Labcorp Genetics (formerly Invitae), Labcorp).

NM_000784.4(CYP27A1):c.1468del (p.Leu490fs)

Gene: CYP27A1 (cytochrome P450 family 27 subfamily A member 1; plus strand). Cytogenetic location: 2q35.
Variant type: Deletion.
Coding change: c.1468del on transcript NM_000784.4 (MANE Select); coding-DNA position 1468, one base deleted (C; older notation c.1468delC).
Protein change: p.Leu490fs; shifts the reading frame from leucine 490.
Molecular consequence: frameshift variant.
Genome position (GRCh38, 1-based): chr2:218,814,749, C deleted; the last of 2 consecutive C bases (chr2:218,814,748-218,814,749); deleting either gives the same sequence. VCF-style (leftmost placement, unchanged base first): chr2-218814747-TC-T. GRCh37 (hg19) VCF-style: chr2-219679470-TC-T.
Other names: short protein forms L490fs.
Identifiers: ClinVar variation 2674725 (VCV002674725.4), dbSNP rs2470230328, ClinGen allele CA2695197133.